The following is an entry in ClinVar:

ClinVar aggregate classification (germline): Uncertain significance (1 of 4 stars; one submission).

Submission:

Ambry Genetics
Classification: Uncertain significance. Last evaluated: 2024-08-21. Review status: criteria provided, single submitter. Criteria: Ambry Variant Classification Scheme 2023. Collection method: clinical testing. Allele origin: germline.
Comment: The p.D1524A variant (also known as c.4571A>C), located in coding exon 16 of the POLQ gene, results from an A to C substitution at nucleotide position 4571. The aspartic acid at codon 1524 is replaced by alanine, an amino acid with dissimilar properties. This amino acid position is conserved. In addition, this alteration is predicted to be tolerated by in silico analysis. Based on the available evidence, the clinical significance of this variant remains unclear.

NM_199420.4(POLQ):c.4571A>C (p.Asp1524Ala)

Gene: POLQ (DNA polymerase theta; minus strand). Cytogenetic location: 3q13.33.
Variant type: single nucleotide variant.
Coding change: c.4571A>C on transcript NM_199420.4 (MANE Select); coding-DNA position 4571, A replaced by C.
Protein change: p.Asp1524Ala; replaces aspartic acid 1524 with alanine.
Molecular consequence: missense variant.
Genome position (GRCh38, 1-based): chr3:121,488,360, T>G on the plus strand (A>C on the coding strand, the complement: POLQ is on the minus strand). VCF-style: chr3-121488360-T-G. GRCh37 (hg19) VCF-style: chr3-121207207-T-G.
Other names: short protein forms D1524A.
Identifiers: ClinVar variation 3422507 (VCV003422507.1).